The following is an entry in ClinVar:

NM_004104.5(FASN):c.5867T>C (p.Ile1956Thr)

Gene: FASN (fatty acid synthase; minus strand). Cytogenetic location: 17q25.3.
Variant type: single nucleotide variant.
Coding change: c.5867T>C on transcript NM_004104.5 (MANE Select); coding-DNA position 5867, T replaced by C.
Protein change: p.Ile1956Thr; replaces isoleucine 1956 with threonine.
Molecular consequence: missense variant.
Genome position (GRCh38, 1-based): chr17:82,082,579, A>G on the plus strand (T>C on the coding strand, the complement: FASN is on the minus strand). VCF-style: chr17-82082579-A-G. GRCh37 (hg19) VCF-style: chr17-80040455-A-G.
Other names: short protein forms I1956T.
Identifiers: ClinVar variation 2421316 (VCV002421316.6), dbSNP rs372870751, ClinGen allele CA8851526.
Genomic context (GRCh38, chr17:82,082,579, plus strand): 5'-TCCCTCACCACGGCCAGGTTGAAGACGCCGCCCACGGGCCCAAGCTGCGCCGCCTCGGCA[A>G]TGAGGCCCCGGGCCCCCTCCAGTGAGCTGATGTTGCTGGTGGACACCTGCACCTGTACGC-3'
Protein context (NP_004095.4, residues 1946-1966): ISSLEGARGL[Ile1956Thr]AEAAQLGPVG

ClinVar aggregate classification (germline): Uncertain significance (1 of 4 stars; one submission).

Conditions:
Epileptic encephalopathy. Identifiers: MedGen C0543888, HP:0200134.

Allele frequency attached by ClinVar (database versions not stated): TOPMed below 0.00001; ExAC 0.00001; gnomAD 0.00001; ESP Exome Variant Server 0.00008.
gnomAD v4.1: 11 of 1,609,728 alleles (0.00068%); highest among the groups gnomAD compares: East Asian, 0.0022%; no homozygotes.

Submission:

Labcorp Genetics (formerly Invitae), Labcorp
Classification: Uncertain significance for Epileptic encephalopathy. Last evaluated: 2025-02-04. Review status: criteria provided, single submitter. Criteria: Invitae Variant Classification Sherloc (09022015). Collection method: clinical testing. Allele origin: germline.
Comment: This sequence change replaces isoleucine, which is neutral and non-polar, with threonine, which is neutral and polar, at codon 1956 of the FASN protein (p.Ile1956Thr). This variant is present in population databases (rs372870751, gnomAD 0.0009%). This variant has not been reported in the literature in individuals affected with FASN-related conditions. ClinVar contains an entry for this variant (Variation ID: 2421316). An algorithm developed to predict the effect of missense changes on protein structure and function (PolyPhen-2) suggests that this variant is likely to be disruptive. In summary, the available evidence is currently insufficient to determine the role of this variant in disease. Therefore, it has been classified as a Variant of Uncertain Significance.